The following is an entry in ClinVar:

NM_020297.4(ABCC9):c.62A>G (p.Gln21Arg)

Gene: ABCC9 (ATP binding cassette subfamily C member 9; minus strand). Cytogenetic location: 12p12.1.
Variant type: single nucleotide variant.
Coding change: c.62A>G on transcript NM_020297.4 (MANE Select); coding-DNA position 62, A replaced by G.
Protein change: p.Gln21Arg; replaces glutamine 21 with arginine.
Molecular consequence: missense variant. On other transcripts: 5 prime UTR variant (1).
Genome position (GRCh38, 1-based): chr12:21,936,613, T>C on the plus strand (A>G on the coding strand, the complement: ABCC9 is on the minus strand). VCF-style: chr12-21936613-T-C. GRCh37 (hg19) VCF-style: chr12-22089547-T-C.
Other names: c.62A>G, p.Gln21Arg (NM_001377273.1, NM_005691.4); c.-393A>G (NM_001377274.1); short protein forms Q21R.
Identifiers: ClinVar variation 5008128 (VCV005008128.1).
Genomic context (GRCh38, chr12:21,936,613, plus strand): 5'-GTGATAAACAACAGAAAGACATGAGGGACCAGGTTGAGGGCATCCACAAAGCAGGAATTT[T>C]GTAGTACACCATCGTTGATATTATATGAAGAAATGTTGTTACCACAAAATGAAAGGCTCA-3'
Protein context (NP_064693.2, residues 11-31): SSYNINDGVL[Gln21Arg]NSCFVDALNL

ClinVar aggregate classification (germline): Uncertain significance (1 of 4 stars; one submission).

Submission:

GeneDx
Classification: Uncertain significance. Last evaluated: 2026-03-06. Review status: criteria provided, single submitter. Criteria: GeneDx Variant Classification Process June 2021. Collection method: clinical testing. Allele origin: germline.
Comment: Not observed at significant frequency in large population cohorts (gnomAD); In silico analysis suggests that this missense variant does not alter protein structure/function; Has not been previously published as pathogenic or benign to our knowledge.